The following is an entry in ClinVar:

ClinVar aggregate classification (germline): Uncertain significance (1 of 4 stars; one submission).

Conditions:
Dystonia 28, childhood-onset (DYT28). Also called: KMT2B-Related Dystonia (DYT-KMT2B). Identifiers: Orphanet 589618, MedGen C4310633, MONDO:0015004, OMIM 617284.

Submission:

New York Genome Center
Classification: Uncertain significance for Dystonia 28, childhood-onset. Last evaluated: 2020-09-23. Review status: criteria provided, single submitter. Criteria: NYGC Assertion Criteria 2020. Collection method: clinical testing. Allele origin: inherited. Observed: 1 compound heterozygote. Study: CSER-NYCKidSeq.
Comment: The inherited heterozygous c.3856A>T (p.Thr1286Ser) variant identified in the KMT2B gene has not been reported in affected individuals in the available literature. The variant is absent from gnomAD(v3) database indicating it is an extremely rare allele in populations represented in this database. The affected p.Thr1286 residue is moderately conserved and In Silico prediction tools provide conflicting interpretations about potential pathogenicity of this variant. Based on the available evidence, the p.Thr1286Ser variant in the KMT2B gene is assessed as a variant of uncertain significance.

NM_014727.3(KMT2B):c.3856A>T (p.Thr1286Ser)

Gene: KMT2B (lysine methyltransferase 2B; plus strand). Cytogenetic location: 19q13.12.
Variant type: single nucleotide variant.
Coding change: c.3856A>T on transcript NM_014727.3 (MANE Select); coding-DNA position 3856, A replaced by T.
Protein change: p.Thr1286Ser; replaces threonine 1286 with serine.
Molecular consequence: missense variant.
Genome position (GRCh38, 1-based): chr19:35,725,789, A>T. VCF-style: chr19-35725789-A-T. GRCh37 (hg19) VCF-style: chr19-36216690-A-T.
Other names: short protein forms T1286S.
Identifiers: ClinVar variation 1213722 (VCV001213722.1), dbSNP rs2146451086, ClinGen allele CA405411135.
Genomic context (GRCh38, chr19:35,725,789, plus strand): 5'-CTGGAGTGCGAGCGCTGCCGCCATGCATACCACCCGGCCTGTCTGGGGCCCAGCTATCCA[A>T]CCCGGGCCACGCGCAAACGGCGCCACTGGGTGAGAGATGAGGTTCACCCACTTGCTTTGT-3'
Protein context (NP_055542.1, residues 1276-1296): HPACLGPSYP[Thr1286Ser]RATRKRRHWI